The following is an entry in ClinVar:

ClinVar aggregate classification (germline): Uncertain significance. Review status: criteria provided, multiple submitters, no conflicts (2 of 4 stars). 2 submissions from 2 submitters: Uncertain significance (2). Last evaluated 2021-10-28.

Allele frequency attached by ClinVar (database versions not stated): gnomAD exomes below 0.00001 and 0.00001; ExAC 0.00002; TOPMed 0.00011; gnomAD 0.00014 and 0.00015; ESP Exome Variant Server 0.00023.
gnomAD v4.1: 29 of 1,614,088 alleles (0.0018%); highest among the groups gnomAD compares: African/African-American, 0.036%; no homozygotes.

Submissions (2):

Labcorp Genetics (formerly Invitae), Labcorp
Classification: Uncertain significance. Last evaluated: 2021-10-28. Review status: criteria provided, single submitter. Criteria: Invitae Variant Classification Sherloc (09022015). Collection method: clinical testing. Allele origin: germline.
Comment: Algorithms developed to predict the effect of missense changes on protein structure and function output the following: SIFT: "Tolerated"; PolyPhen-2: "Benign"; Align-GVGD: "Class C0". The histidine amino acid residue is found in multiple mammalian species, which suggests that this missense change does not adversely affect protein function. In summary, the available evidence is currently insufficient to determine the role of this variant in disease. Therefore, it has been classified as a Variant of Uncertain Significance. This variant has not been reported in the literature in individuals affected with ICK-related conditions. This variant is present in population databases (rs150475918, gnomAD 0.05%). This sequence change replaces glutamine, which is neutral and polar, with histidine, which is basic and polar, at codon 240 of the ICK protein (p.Gln240His).

Ambry Genetics
Classification: Uncertain significance. Last evaluated: 2021-08-17. Review status: criteria provided, single submitter. Criteria: Ambry Variant Classification Scheme 2023. Collection method: clinical testing. Allele origin: germline.

NM_014920.5(CILK1):c.720G>T (p.Gln240His)

Gene: CILK1 (ciliogenesis associated kinase 1; minus strand). Cytogenetic location: 6p12.1.
Variant type: single nucleotide variant.
Coding change: c.720G>T on transcript NM_014920.5 (MANE Select); coding-DNA position 720, G replaced by T.
Protein change: p.Gln240His; replaces glutamine 240 with histidine.
Molecular consequence: missense variant. On other transcripts: non-coding transcript variant (1).
Genome position (GRCh38, 1-based): chr6:53,016,194, C>A on the plus strand (G>T on the coding strand, the complement: CILK1 is on the minus strand). VCF-style: chr6-53016194-C-A. GRCh37 (hg19) VCF-style: chr6-52880992-C-A.
Other names: c.720G>T, p.Gln240His (NM_016513.5, NM_001375397.1, NM_001375398.1 and 4 more transcripts); c.720G>T (NM_016513.4); short protein forms Q240H.
Identifiers: ClinVar variation 1680560 (VCV001680560.7), dbSNP rs150475918, ClinGen allele CA3858714.